The following is an entry in ClinVar:

ClinVar aggregate classification (germline): Benign (1 of 4 stars; one submission).

Allele frequency attached by ClinVar (database versions not stated): gnomAD 0.00568; 1000 Genomes Project 0.00619; 1000 Genomes Project 30x 0.00625; TOPMed 0.00707.

Submission:

GeneDx
Classification: Benign. Last evaluated: 2018-02-05. Review status: criteria provided, single submitter. Criteria: GeneDx Variant Classification (06012015). Collection method: clinical testing. Allele origin: germline. Affected: yes.
Comment: This variant is considered likely benign or benign based on one or more of the following criteria: it is a conservative change, it occurs at a poorly conserved position in the protein, it is predicted to be benign by multiple in silico algorithms, and/or has population frequency not consistent with disease.

NM_145199.3(LIPT1):c.-2+1337C>T

Gene: LIPT1 (lipoyltransferase 1; plus strand). Cytogenetic location: 2q11.2.
Variant type: single nucleotide variant.
Coding change: c.-2+1337C>T on transcript NM_145199.3 (MANE Select); 1337 bases into the intron after 2 bases upstream of the start codon, C replaced by T.
Molecular consequence: intron variant. On other transcripts: 5 prime UTR variant (4), non-coding transcript variant (1).
Genome position (GRCh38, 1-based): chr2:99,156,388, C>T. VCF-style: chr2-99156388-C-T. GRCh37 (hg19) VCF-style: chr2-99772851-C-T.
Other names: c.-40C>T (NM_001204830.2, NM_015929.4); c.-168C>T (NM_145197.3); c.-156C>T (NM_145198.3).
Identifiers: ClinVar variation 382429 (VCV000382429.1), dbSNP rs187804121, ClinGen allele CA16604733.
Genomic context (GRCh38, chr2:99,156,388, plus strand): 5'-ATCTCGGCCCACTGAAACCTCCACCTCCCGGGTTCAAGCGATTCTCCTGCCTCAGCCTCC[C>T]GAGTAGCTGAGATTACAGGCGCCTGCCACCACGCCCAGGTAATTTTTGTATTTTTGGTAG-3'